The following is an entry in ClinVar:

ClinVar aggregate classification (germline): Uncertain significance (1 of 4 stars; one submission).

Conditions:
Hereditary cancer-predisposing syndrome. Also called: Tumor predisposition; Neoplastic Syndromes, Hereditary; Hereditary Cancer Syndrome; Hereditary neoplastic syndrome. Identifiers: Orphanet 140162, MedGen C0027672, MeSH D009386, MONDO:0015356.

gnomAD v4.1: 1 of 1,614,158 alleles (0.000062%); highest among the groups gnomAD compares: Non-Finnish European, 0.000085%; no homozygotes.

Submission:

Ambry Genetics
Classification: Uncertain significance for Hereditary cancer-predisposing syndrome. Last evaluated: 2025-01-25. Review status: criteria provided, single submitter. Criteria: Ambry Variant Classification Scheme 2023. Collection method: clinical testing. Allele origin: germline.
Comment: The p.V486M variant (also known as c.1456G>A), located in coding exon 3 of the MET gene, results from a G to A substitution at nucleotide position 1456. The valine at codon 486 is replaced by methionine, an amino acid with highly similar properties. This amino acid position is conserved. In addition, this alteration is predicted to be tolerated by in silico analysis. Based on the available evidence, the clinical significance of this variant remains unclear.

NM_000245.4(MET):c.1456G>A (p.Val486Met)

Gene: MET (MET proto-oncogene, receptor tyrosine kinase; plus strand). Cytogenetic location: 7q31.2.
Variant type: single nucleotide variant.
Coding change: c.1456G>A on transcript NM_000245.4 (MANE Select); coding-DNA position 1456, G replaced by A.
Protein change: p.Val486Met; replaces valine 486 with methionine.
Molecular consequence: missense variant.
Genome position (GRCh38, 1-based): chr7:116,740,013, G>A. VCF-style: chr7-116740013-G-A. GRCh37 (hg19) VCF-style: chr7-116380067-G-A.
Other names: c.1456G>A, p.Val486Met (NM_001127500.3, NM_001324401.3); c.166G>A, p.Val56Met (NM_001324402.2); short protein forms V486M, V56M.
Identifiers: ClinVar variation 3872376 (VCV003872376.1).
Genomic context (GRCh38, chr7:116,740,013, plus strand): 5'-GTGGTTTCTCGATCAGGACCATCAACCCCTCATGTGAATTTTCTCCTGGACTCCCATCCA[G>A]TGTCTCCAGAAGTGATTGTGGAGCATACATTAAACCAAAATGGCTACACACTGGTTATCA-3'
Protein context (NP_000236.2, residues 476-496): HVNFLLDSHP[Val486Met]SPEVIVEHTL